The following continues an entry in ClinVar:

NM_007294.4(BRCA1):c.1556del (p.Lys519fs)

Gene: BRCA1. ClinVar aggregate classification (germline): Pathogenic. Pathogenic (1).

Submissions 13 to 25 of 25:

Quest Diagnostics Nichols Institute San Juan Capistrano
Classification: Pathogenic. Last evaluated: 2020-07-31. Review status: criteria provided, single submitter. Criteria: Quest Diagnostics criteria. Collection method: clinical testing. Allele origin: unknown. Not counted in ClinVar's aggregate classification.
Comment: The variant results in a shift of the reading frame, and is therefore predicted to result in the loss of a functional protein. Found in at least one patient with expected phenotype for this gene, and not found in general population data.

Laboratory for Molecular Medicine, Mass General Brigham Personalized Medicine
Classification: Pathogenic for Hereditary breast ovarian cancer syndrome. Last evaluated: 2020-06-19. Review status: criteria provided, single submitter. Criteria: ACMG Guidelines, 2015. Collection method: clinical testing. Allele origin: germline. Not counted in ClinVar's aggregate classification.
Comment: The p.Lys519ArgfsX13 variant in BRCA1 has been reported in >100 individuals with BRCA1-related cancer (first reported by Johannson 1996 PMID: 8644702). It was absent from large population studies. This variant was classified as pathogenic on 09/08/16 by the ClinGen-approved ENIGMA expert panel (Variation ID 17685). This variant is predicted to cause a frameshift, which alters the protein’s amino acid sequence beginning at position 519 and leads to a premature termination codon 13 amino acids downstream. This alteration is then predicted to lead to a truncated or absent protein. Loss of function of the BRCA1 gene is an established disease mechanism in autosomal dominant hereditary breast and/or ovarian cancer (HBOC). In summary, this variant meets criteria to be classified as pathogenic for autosomal dominant HBOC. ACMG/AMP Criteria applied: PVS1, PM2, PS4.

Human Genome Sequencing Center Clinical Lab, Baylor College of Medicine
Classification: Pathogenic for Breast-ovarian cancer, familial, susceptibility to, 1. Last evaluated: 2017-05-25. Review status: criteria provided, single submitter. Criteria: ACMG Guidelines, 2015. Collection method: clinical testing. Allele origin: germline. Not counted in ClinVar's aggregate classification.
Comment: The c.1556del (p.Lys519Argfs*13) variant in the BRCA1 gene has been detected multiple patients with breast cancer and/or ovarian cancer [PMID 8644702, 26718727, 24504028, 18559594, referred as aka 1675delA in some publications]. This variant is a founder mutation in the Swedish population [PMID 8644702]. This one bp deletion in exon 2 results in a frameshift and the creation of a premature stop codon. This variant is thus predicted to result in a loss of function of the protein. This variant has not been observed in the ExAC population database. This variant is thus classified as pathogenic

Women's Health and Genetics/Laboratory Corporation of America, LabCorp
Classification: Pathogenic for Hereditary breast ovarian cancer syndrome. Last evaluated: 2017-03-24. Review status: criteria provided, single submitter. Criteria: LabCorp Variant Classification Summary - May 2015. Collection method: clinical testing. Allele origin: germline. Not counted in ClinVar's aggregate classification.
Comment: Variant summary: The BRCA1 c.1556delA (p.Lys519Argfs) variant results in a premature termination codon, predicted to cause a truncated or absent BRCA1 protein due to nonsense mediated decay, which are commonly known mechanisms for disease. Truncations downstream of this position have been classified as pathogenic by our laboratory (e.g., c.1621C>T [p.Gln541X], c.1674delA [p.Gly559fs). One in silico tool predicts a damaging outcome for this variant. This variant is absent in the large control database ExAC (0/120854 control chromosomes). The variant has been cited in the literature in breast cancer or ovarian cancer patients numerous times (was identified in at least 20 patients in Judkins_Cancer Res_2005) and is considered a founder mutation in northern Europeans (e.g., see Hoberg-Vetti_BRCA_EJHG_2016 and Soegaard_BRCA1&2_CCR_2008). In addition, multiple clinical diagnostic laboratories/reputable databases have classified this variant as pathogenic. Taken together, this variant is classified as pathogenic.

Consortium of Investigators of Modifiers of BRCA1/2 (CIMBA), c/o University of Cambridge
Classification: Pathogenic for Breast-ovarian cancer, familial, susceptibility to, 1. Last evaluated: 2015-10-02. Review status: criteria provided, single submitter. Criteria: CIMBA Mutation Classification guidelines May 2016. Collection method: clinical testing. Allele origin: germline. Not counted in ClinVar's aggregate classification.

Department of Medical Genetics, Oslo University Hospital
Classification: Pathogenic for Breast-ovarian cancer, familial, susceptibility to, 1. Last evaluated: 2015-07-01. Review status: criteria provided, single submitter. Criteria: ACMG Guidelines, 2015. Collection method: clinical testing. Allele origin: germline. Affected: yes. Observed: 399 variant alleles. Not counted in ClinVar's aggregate classification.

BRCAlab, Lund University
Classification: Pathogenic for Breast-ovarian cancer, familial, susceptibility to, 1. Last evaluated: 2022-08-26. Review status: no assertion criteria provided. Collection method: clinical testing. Allele origin: germline. Affected: yes. Not counted in ClinVar's aggregate classification.

Pathway Genomics
Classification: Pathogenic for Breast-ovarian cancer, familial 1. Last evaluated: 2014-07-24. Review status: no assertion criteria provided. Collection method: clinical testing. Allele origin: germline. Not counted in ClinVar's aggregate classification.

Research Molecular Genetics Laboratory, Women's College Hospital, University of Toronto
Classification: Pathogenic for Hereditary breast ovarian cancer syndrome. Last evaluated: 2014-01-31. Review status: no assertion criteria provided. Collection method: research. Allele origin: germline. Affected: yes. Study: The Canadian Open Genetics Repository (COGR). Not counted in ClinVar's aggregate classification.

Sharing Clinical Reports Project (SCRP)
Classification: Pathogenic for Breast-ovarian cancer, familial 1. Last evaluated: 2011-05-09. Review status: no assertion criteria provided. Collection method: clinical testing. Allele origin: germline. Not counted in ClinVar's aggregate classification.

Breast Cancer Information Core (BIC) (BRCA1)
Classification: Pathogenic for Breast-ovarian cancer, familial 1. Last evaluated: 2002-05-29. Review status: no assertion criteria provided. Collection method: clinical testing. Allele origin: germline, unknown. Affected: yes. Observed: 69 variant alleles. Not counted in ClinVar's aggregate classification.

OMIM
Classification: Pathogenic for BREAST-OVARIAN CANCER, FAMILIAL, SUSCEPTIBILITY TO, 1. Last evaluated: 1999-09-01. Review status: no assertion criteria provided. Collection method: literature only. Allele origin: germline. Not counted in ClinVar's aggregate classification.

Department of Pathology and Laboratory Medicine, Sinai Health System
Classification: Pathogenic for Breast-ovarian cancer, familial, susceptibility to, 1. Review status: no assertion criteria provided. Collection method: clinical testing. Allele origin: unknown. Affected: yes. Observed: 1 variant allele. Study: The Canadian Open Genetics Repository (COGR). Not counted in ClinVar's aggregate classification.

Literature cited by the submitters: PubMed 20104584 (cited by Labcorp Genetics (formerly Invitae), Labcorp); PubMed 8644702 (cited by 5 submitters); PubMed 9616287 (cited by 3 submitters); PubMed 11720839 (cited by Labcorp Genetics (formerly Invitae), Labcorp and Pathway Genomics); PubMed 18559594 (cited by 3 submitters); PubMed 24504028 (cited by Labcorp Genetics (formerly Invitae), Labcorp and Color Diagnostics, LLC DBA Color Health); PubMed 26718727 (cited by Labcorp Genetics (formerly Invitae), Labcorp and Color Diagnostics, LLC DBA Color Health); PubMed 26848529 (cited by Labcorp Genetics (formerly Invitae), Labcorp); PubMed 15515971 (cited by Color Diagnostics, LLC DBA Color Health); PubMed 23199084 (cited by 3 submitters); PubMed 26350514 (cited by 3 submitters); PubMed 29339979 (cited by Color Diagnostics, LLC DBA Color Health and Ambry Genetics); PubMed 10595257 (cited by Ambry Genetics and Quest Diagnostics Nichols Institute San Juan Capistrano); PubMed 11334729 (cited by Ambry Genetics and Pathway Genomics); PubMed 16267036 (cited by Ambry Genetics and Women's Health and Genetics/Laboratory Corporation of America, LabCorp); PubMed 26681682 (cited by Ambry Genetics); PubMed 29371908 (cited by Ambry Genetics); PubMed 29907814 (cited by Ambry Genetics); PubMed 31263571 (cited by Ambry Genetics); PubMed 30678073 (cited by Quest Diagnostics Nichols Institute San Juan Capistrano); PubMed 28691938 (cited by Quest Diagnostics Nichols Institute San Juan Capistrano); PubMed 32356124 (cited by Quest Diagnostics Nichols Institute San Juan Capistrano); PubMed 10441573 (cited by 3 submitters); PubMed 20180971 (cited by Quest Diagnostics Nichols Institute San Juan Capistrano); PubMed 26295337 (cited by Quest Diagnostics Nichols Institute San Juan Capistrano); PubMed 8755943 (cited by OMIM).